The following is an entry in ClinVar:

ClinVar aggregate classification (germline): Likely benign. Review status: criteria provided, multiple submitters, no conflicts (2 of 4 stars). 4 submissions from 3 submitters: Likely benign (4). Last evaluated 2026-02-04.

Conditions:
Ectopia lentis et pupillae. Also called: ECTOPIA LENTIS WITH ECTOPIA OF PUPIL. Identifiers: Orphanet 1885, MedGen C1644196, MONDO:0009153, OMIM 225200.
Ectopia lentis 2, isolated, autosomal recessive (ECTOL2). Identifiers: Orphanet 1885, MedGen C3541474, MONDO:0009152, OMIM 225100.

Allele frequency attached by ClinVar (database versions not stated): gnomAD exomes 0.00005 and 0.00008; ExAC 0.00007; gnomAD 0.00007 and 0.00008; TOPMed 0.00013; ESP Exome Variant Server 0.00054.

Submissions (4):

Labcorp Genetics (formerly Invitae), Labcorp
Classification: Likely benign. Last evaluated: 2026-02-04. Review status: criteria provided, single submitter. Criteria: Invitae Variant Classification Sherloc (09022015). Collection method: clinical testing. Allele origin: germline.

CeGaT Center for Human Genetics Tuebingen
Classification: Likely benign. Last evaluated: 2023-06-01. Review status: criteria provided, single submitter. Criteria: CeGaT Center For Human Genetics Tuebingen Variant Classification Criteria Version 2. Collection method: clinical testing. Allele origin: germline. Affected: yes. Observed: 2 variant alleles.
Comment: ADAMTSL4: BP4, BP7

Genome-Nilou Lab
Classification: Likely benign for Ectopia lentis et pupillae. Last evaluated: 2023-04-11. Review status: criteria provided, single submitter. Criteria: ACMG Guidelines, 2015. Collection method: clinical testing. Allele origin: germline. Affected: no.

Genome-Nilou Lab
Classification: Likely benign for Ectopia lentis 2, isolated, autosomal recessive. Last evaluated: 2023-04-11. Review status: criteria provided, single submitter. Criteria: ACMG Guidelines, 2015. Collection method: clinical testing. Allele origin: germline. Affected: no.

NM_019032.6(ADAMTSL4):c.1492C>T (p.Leu498=)

Genes: ADAMTSL4 (ADAMTS like 4; plus strand), ADAMTSL4-AS2 (ADAMTSL4 antisense RNA 2; minus strand). Cytogenetic location: 1q21.2.
Variant type: single nucleotide variant.
Coding change: c.1492C>T on transcript NM_019032.6 (MANE Select); coding-DNA position 1492, C replaced by T.
Protein change: p.Leu498=; no amino-acid change (leucine 498 retained).
Molecular consequence: synonymous variant.
Genome position (GRCh38, 1-based): chr1:150,556,282, C>T. VCF-style: chr1-150556282-C-T. GRCh37 (hg19) VCF-style: chr1-150528758-C-T.
Other names: c.1561C>T, p.Leu521= (NM_001288607.2, NM_001288608.2); c.1492C>T, p.Leu498= (NM_001378596.1, NM_025008.5).
Identifiers: ClinVar variation 1580622 (VCV001580622.36), dbSNP rs149722020, ClinGen allele CA1078282.
Genomic context (GRCh38, chr1:150,556,282, plus strand): 5'-GGGGGTGATGATTCTACCTGTCGCCTTGTTTCGGGGAACCTCACTGACCGAGGGGGCCCC[C>T]TGGGCTATCAGAAGATCTTGTGGATTCCAGCGGGAGCCTTGCGGCTCCAGATTGCCCAGC-3'
Protein context (NP_061905.2, residues 488-508): SGNLTDRGGP[Leu498=]GYQKILWIPA